The following is an entry in ClinVar:

ClinVar aggregate classification (germline): Uncertain significance (1 of 4 stars; one submission).

Conditions:
Fanconi anemia (FA). Also called: Fanconi's anemia. Identifiers: Orphanet 84, MedGen C0015625, MeSH D005199, MONDO:0019391.

Submission:

Labcorp Genetics (formerly Invitae), Labcorp
Classification: Uncertain significance for Fanconi anemia. Last evaluated: 2021-08-02. Review status: criteria provided, single submitter. Criteria: Invitae Variant Classification Sherloc (09022015). Collection method: clinical testing. Allele origin: germline.
Comment: This variant has not been reported in the literature in individuals affected with FANCL-related conditions. This sequence change replaces arginine with leucine at codon 221 of the FANCL protein (p.Arg221Leu). The arginine residue is highly conserved and there is a moderate physicochemical difference between arginine and leucine. This variant is not present in population databases (ExAC no frequency). Algorithms developed to predict the effect of missense changes on protein structure and function are either unavailable or do not agree on the potential impact of this missense change (SIFT: "Deleterious"; PolyPhen-2: "Probably Damaging"; Align-GVGD: "Class C0"). In summary, the available evidence is currently insufficient to determine the role of this variant in disease. Therefore, it has been classified as a Variant of Uncertain Significance.

NM_018062.4(FANCL):c.662G>T (p.Arg221Leu)

Gene: FANCL (FA complementation group L; minus strand). Cytogenetic location: 2p16.1.
Variant type: single nucleotide variant.
Coding change: c.662G>T on transcript NM_018062.4 (MANE Select); coding-DNA position 662, G replaced by T.
Protein change: p.Arg221Leu; replaces arginine 221 with leucine.
Molecular consequence: missense variant.
Genome position (GRCh38, 1-based): chr2:58,165,753, C>A on the plus strand (G>T on the coding strand, the complement: FANCL is on the minus strand). VCF-style: chr2-58165753-C-A. GRCh37 (hg19) VCF-style: chr2-58392888-C-A.
Other names: c.677G>T, p.Arg226Leu (NM_001114636.2); c.707G>T, p.Arg236Leu (NM_001374615.1); c.722G>T, p.Arg241Leu (NM_001410792.1); short protein forms R221L, R226L, R236L, R241L.
Identifiers: ClinVar variation 1462236 (VCV001462236.5), dbSNP rs761742545, ClinGen allele CA346936763.
Genomic context (GRCh38, chr2:58,165,753, plus strand): 5'-AAAACAAACCCTTAATCCTCCTTGTCCCTACCTAATGCAATTCTGCGTGCTGTTGCACTC[C>A]GTGGAGGTTTTTCTGGCTCAAGTACCCAGGTCTTCTCATCGATTTCATCCATAACATCCC-3'
Protein context (NP_060532.2, residues 211-231): TWVLEPEKPP[Arg221Leu]SATARRIALG